The following is an entry in ClinVar:

NM_015570.4(AUTS2):c.32G>A (p.Arg11His)

Gene: AUTS2 (activator of transcription and developmental regulator AUTS2; plus strand). Cytogenetic location: 7q11.22.
Variant type: single nucleotide variant.
Coding change: c.32G>A on transcript NM_015570.4 (MANE Select); coding-DNA position 32, G replaced by A.
Protein change: p.Arg11His; replaces arginine 11 with histidine.
Molecular consequence: missense variant.
Genome position (GRCh38, 1-based): chr7:69,599,685, G>A. VCF-style: chr7-69599685-G-A. GRCh37 (hg19) VCF-style: chr7-69064671-G-A.
Other names: c.32G>A, p.Arg11His (NM_001127231.3, NM_001127232.3); short protein forms R11H.
Identifiers: ClinVar variation 4778889 (VCV004778889.1).
Genomic context (GRCh38, chr7:69,599,685, plus strand): 5'-AAGCGGGGAGACCCCGGCGCAGCAGAACCATGGATGGCCCGACGCGGGGCCATGGACTCC[G>A]CAAAAAGCGGCGGTCGCGGTCGCAGCGAGACCGGGAGAGGCGCTCCCGGGGCGGGCTGGG-3'
Protein context (NP_056385.1, residues 1-21): MDGPTRGHGL[Arg11His]KKRRSRSQRD

ClinVar aggregate classification (germline): Uncertain significance (1 of 4 stars; one submission).

Submission:

Labcorp Genetics (formerly Invitae), Labcorp
Classification: Uncertain significance. Last evaluated: 2025-08-02. Review status: criteria provided, single submitter. Criteria: Invitae Variant Classification Sherloc (09022015). Collection method: clinical testing. Allele origin: germline.
Comment: This sequence change replaces arginine, which is basic and polar, with histidine, which is basic and polar, at codon 11 of the AUTS2 protein (p.Arg11His). This variant is not present in population databases (gnomAD no frequency). This variant has not been reported in the literature in individuals affected with AUTS2-related conditions. An algorithm developed to predict the effect of missense changes on protein structure and function (PolyPhen-2) suggests that this variant is likely to be disruptive. In summary, the available evidence is currently insufficient to determine the role of this variant in disease. Therefore, it has been classified as a Variant of Uncertain Significance.